The following is an entry in ClinVar:

NM_007118.4(TRIO):c.5321G>C (p.Arg1774Pro)

Gene: TRIO (trio Rho guanine nucleotide exchange factor; plus strand). Cytogenetic location: 5p15.2.
Variant type: single nucleotide variant.
Coding change: c.5321G>C on transcript NM_007118.4 (MANE Select); coding-DNA position 5321, G replaced by C.
Protein change: p.Arg1774Pro; replaces arginine 1774 with proline.
Molecular consequence: missense variant. On other transcripts: non-coding transcript variant (1).
Genome position (GRCh38, 1-based): chr5:14,461,136, G>C. VCF-style: chr5-14461136-G-C. GRCh37 (hg19) VCF-style: chr5-14461245-G-C.
Other names: short protein forms R1774P.
Identifiers: ClinVar variation 1695824 (VCV001695824.2), dbSNP rs1753765280, ClinGen allele CA359227274.
Genomic context (GRCh38, chr5:14,461,136, plus strand): 5'-AGCCCCACATGATCGGGGCCCAGAGCTCGCCGGGCCCCAAGCGGCCGGGCAACACCCTGC[G>C]CAAGTGGCTCACCAGCCCCGTGCGGCGGCTCAGCAGCGGCAAGGCCGACGGGCACGTGAA-3'
Protein context (NP_009049.2, residues 1764-1784): PGPKRPGNTL[Arg1774Pro]KWLTSPVRRL

ClinVar aggregate classification (germline): Uncertain significance (1 of 4 stars; one submission).

Submission:

GeneDx
Classification: Uncertain significance. Last evaluated: 2022-01-06. Review status: criteria provided, single submitter. Criteria: GeneDx Variant Classification Process June 2021. Collection method: clinical testing. Allele origin: germline. Affected: yes.
Comment: Not observed at significant frequency in large population cohorts (gnomAD); In silico analysis supports that this missense variant has a deleterious effect on protein structure/function; Has not been previously published as pathogenic or benign to our knowledge